The following is an entry in ClinVar:

NM_020964.3(EPG5):c.4960G>A (p.Val1654Met)

Gene: EPG5 (ectopic P-granules 5 autophagy tethering factor; minus strand). Cytogenetic location: 18q12.3.
Variant type: single nucleotide variant.
Coding change: c.4960G>A on transcript NM_020964.3 (MANE Select); coding-DNA position 4960, G replaced by A.
Protein change: p.Val1654Met; replaces valine 1654 with methionine.
Molecular consequence: missense variant.
Genome position (GRCh38, 1-based): chr18:45,887,900, C>T on the plus strand (G>A on the coding strand, the complement: EPG5 is on the minus strand). VCF-style: chr18-45887900-C-T. GRCh37 (hg19) VCF-style: chr18-43467865-C-T.
Other names: c.4960G>A, p.Val1654Met (NM_001410858.1, NM_001410859.1); short protein forms V1654M.
Identifiers: ClinVar variation 1929725 (VCV001929725.4), dbSNP rs376511683, ClinGen allele CA299718185.
Genomic context (GRCh38, chr18:45,887,900, plus strand): 5'-AGAAAAGGCTAATGCCAACTTTCTGAATCCCAGGTGTAGGCTGCAACTTGTAGGCATTCA[C>T]TAAGGCCCTGTGGGAAAATGTGGGTAAGACTGCAGTCTACAGTAAAAGATTCCATACTCA-3'
Protein context (NP_066015.2, residues 1644-1664): VHAENLITAL[Val1654Met]NAYKLQPTPG

ClinVar aggregate classification (germline): Uncertain significance (1 of 4 stars; one submission).

Conditions:
Vici syndrome (VICIS). Identifiers: Orphanet 1493, MedGen C1855772, MONDO:0009452, OMIM 242840.

Allele frequency attached by ClinVar (database versions not stated): TOPMed 0.00001; ESP Exome Variant Server 0.00008.

Submission:

Labcorp Genetics (formerly Invitae), Labcorp
Classification: Uncertain significance for Vici syndrome. Last evaluated: 2022-04-06. Review status: criteria provided, single submitter. Criteria: Invitae Variant Classification Sherloc (09022015). Collection method: clinical testing. Allele origin: germline.
Comment: In summary, the available evidence is currently insufficient to determine the role of this variant in disease. Therefore, it has been classified as a Variant of Uncertain Significance. Algorithms developed to predict the effect of missense changes on protein structure and function are either unavailable or do not agree on the potential impact of this missense change (SIFT: "Deleterious"; PolyPhen-2: "Probably Damaging"; Align-GVGD: "Class C0"). This variant has not been reported in the literature in individuals affected with EPG5-related conditions. This variant is present in population databases (rs376511683, gnomAD 0.003%). This sequence change replaces valine, which is neutral and non-polar, with methionine, which is neutral and non-polar, at codon 1654 of the EPG5 protein (p.Val1654Met).